The following is an entry in ClinVar:

NM_133433.4(NIPBL):c.7503G>T (p.Arg2501=)

Gene: NIPBL (NIPBL cohesin loading factor; plus strand). Cytogenetic location: 5p13.2.
Variant type: single nucleotide variant.
Coding change: c.7503G>T on transcript NM_133433.4 (MANE Select); coding-DNA position 7503, G replaced by T.
Protein change: p.Arg2501=; no amino-acid change (arginine 2501 retained).
Molecular consequence: synonymous variant.
Genome position (GRCh38, 1-based): chr5:37,058,983, G>T. VCF-style: chr5-37058983-G-T. GRCh37 (hg19) VCF-style: chr5-37059085-G-T.
Other names: c.7503G>T, p.Arg2501= (NM_015384.5).
Identifiers: ClinVar variation 956129 (VCV000956129.9), dbSNP rs1754384795, ClinGen allele CA443914588.

ClinVar aggregate classification (germline): Uncertain significance (1 of 4 stars; one submission).

Conditions:
Cornelia de Lange syndrome 1 (CDLS1). Also called: Brachmann de Lange syndrome; TYPUS DEGENERATIVUS AMSTELODAMENSIS; NIPBL-Related Cornelia de Lange Syndrome. Identifiers: Orphanet 199, MedGen C4551851, MONDO:0007387, OMIM 122470.

Submission:

Labcorp Genetics (formerly Invitae), Labcorp
Classification: Uncertain significance for Cornelia de Lange syndrome 1. Last evaluated: 2019-07-26. Review status: criteria provided, single submitter. Criteria: Invitae Variant Classification Sherloc (09022015). Collection method: clinical testing. Allele origin: germline.
Comment: In summary, the available evidence is currently insufficient to determine the role of this variant in disease. Therefore, it has been classified as a Variant of Uncertain Significance. Algorithms developed to predict the effect of sequence changes on RNA splicing suggest that this variant may create or strengthen a splice site, but this prediction has not been confirmed by published transcriptional studies. This variant has not been reported in the literature in individuals with NIPBL-related conditions. This variant is not present in population databases (ExAC no frequency). This sequence change affects codon 2501 of the NIPBL mRNA. It is a 'silent' change, meaning that it does not change the encoded amino acid sequence of the NIPBL protein.